The following is an entry in ClinVar:

NM_005188.4(CBL):c.808G>A (p.Ala270Thr)

Gene: CBL (Cbl proto-oncogene; plus strand). Cytogenetic location: 11q23.3.
Variant type: single nucleotide variant.
Coding change: c.808G>A on transcript NM_005188.4 (MANE Select); coding-DNA position 808, G replaced by A.
Protein change: p.Ala270Thr; replaces alanine 270 with threonine.
Molecular consequence: missense variant.
Genome position (GRCh38, 1-based): chr11:119,274,892, G>A. VCF-style: chr11-119274892-G-A. GRCh37 (hg19) VCF-style: chr11-119145602-G-A.
Other names: short protein forms A270T.
Identifiers: ClinVar variation 4868223 (VCV004868223.1).

ClinVar aggregate classification (germline): Uncertain significance (1 of 4 stars; one submission).

Conditions:
Cardiovascular phenotype. Identifiers: MedGen CN230736.

Submission:

Ambry Genetics
Classification: Uncertain significance for Cardiovascular phenotype. Last evaluated: 2026-04-12. Review status: criteria provided, single submitter. Criteria: Ambry Variant Classification Scheme 2023. Collection method: clinical testing. Allele origin: germline.
Comment: The p.A270T variant (also known as c.808G>A), located in coding exon 5 of the CBL gene, results from a G to A substitution at nucleotide position 808. The alanine at codon 270 is replaced by threonine, an amino acid with similar properties. This amino acid position is conserved. In addition, this alteration is predicted to be deleterious by in silico analysis. Based on the available evidence, the clinical significance of this variant remains unclear.